The following is an entry in ClinVar:

NM_000089.4(COL1A2):c.2097T>G (p.Ala699=)

Gene: COL1A2 (collagen type I alpha 2 chain; plus strand). Cytogenetic location: 7q21.3.
Variant type: single nucleotide variant.
Coding change: c.2097T>G on transcript NM_000089.4 (MANE Select); coding-DNA position 2097, T replaced by G.
Protein change: p.Ala699=; no amino-acid change (alanine 699 retained).
Molecular consequence: synonymous variant.
Genome position (GRCh38, 1-based): chr7:94,420,250, T>G. VCF-style: chr7-94420250-T-G. GRCh37 (hg19) VCF-style: chr7-94049562-T-G.
Identifiers: ClinVar variation 2657682 (VCV002657682.24), dbSNP rs747121857, ClinGen allele CA4347313.

ClinVar aggregate classification (germline): Likely benign (1 of 4 stars; one submission).

Allele frequency attached by ClinVar (database versions not stated): gnomAD exomes below 0.00001; ExAC 0.00001.
gnomAD v4.1: 1 of 1,613,642 alleles (0.000062%); highest among the groups gnomAD compares: Non-Finnish European, 0.000085%; no homozygotes.

Submission:

CeGaT Center for Human Genetics Tuebingen
Classification: Likely benign. Last evaluated: 2022-09-01. Review status: criteria provided, single submitter. Criteria: CeGaT Center For Human Genetics Tuebingen Variant Classification Criteria Version 2. Collection method: clinical testing. Allele origin: germline. Affected: yes. Observed: 1 variant allele.
Comment: COL1A2: BP4, BP7